The following is an entry in ClinVar:

ClinVar aggregate classification (germline): Pathogenic (1 of 4 stars; one submission).

Conditions:
Optic neuropathy. Also called: Optic nerve disorder. Identifiers: MedGen C3887709, MONDO:0002135, HP:0001138.

Submission:

Genetics Laboratory, Great Ormond Street Hospital NHS Foundation Trust, North Thames Genomic Laboratory Hub
Classification: Pathogenic for Optic neuropathy. Last evaluated: 2026-08-19. Review status: criteria provided, single submitter. Criteria: ACGS Best Practice Guidelines for Variant Classification in Rare Disease 2024 v1.2. Collection method: clinical testing. Allele origin: germline. Affected: yes.
Comment: PM2_moderate, PVS1_very-strong

NM_130837.3(OPA1):c.1838_1839del (p.Glu613fs)

Genes: OPA1 (OPA1 mitochondrial dynamin like GTPase; plus strand), LOC126806913 (BRD4-independent group 4 enhancer GRCh37_chr3:193364377-193365576; plus strand). Cytogenetic location: 3q29.
Variant type: Microsatellite.
Coding change: c.1838_1839del on transcript NM_130837.3 (MANE Select); coding-DNA positions 1838 to 1839, 2 bases deleted (AG; older notation c.1838_1839delAG).
Protein change: p.Glu613fs; shifts the reading frame from glutamic acid 613.
Molecular consequence: frameshift variant.
Genome position (GRCh38, 1-based): chr3:193,647,148-193,647,149, AG deleted; deleting any 2 consecutive bases within chr3:193,647,145-193,647,149 gives the same sequence; the c. name uses the placement nearest the transcript's 3' end. VCF-style (leftmost placement, unchanged base first): chr3-193647144-CGA-C. GRCh37 (hg19) VCF-style: chr3-193364933-CGA-C.
Other names: c.1304_1305del, p.Glu435fs (NM_001354663.2); c.1301_1302del, p.Glu434fs (NM_001354664.2); c.1673_1674del, p.Glu558fs (NM_015560.3); c.1565_1566del, p.Glu522fs (NM_130831.3); c.1619_1620del, p.Glu540fs (NM_130832.3); c.1676_1677del, p.Glu559fs (NM_130833.3); c.1727_1728del, p.Glu576fs (NM_130834.3); c.1730_1731del, p.Glu577fs (NM_130835.3); and 1 more; short protein forms E434fs, E435fs, E522fs, E540fs, E558fs, E559fs, E576fs, E577fs.
Identifiers: ClinVar variation 5021095 (VCV005021095.1).